The following is an entry in ClinVar:

ClinVar aggregate classification (germline): Uncertain significance. Review status: criteria provided, multiple submitters, no conflicts (2 of 4 stars). 3 submissions from 3 submitters: Uncertain significance (2). 1 of the submissions does not count toward it. Last evaluated 2018-03-01.

Conditions:
MYO9A-related disorder. Also called: MYO9A-related condition.

Allele frequency attached by ClinVar (database versions not stated): gnomAD exomes 0.00049; ExAC 0.00063; TOPMed 0.00172; 1000 Genomes Project 0.00180; 1000 Genomes Project 30x 0.00187; ESP Exome Variant Server 0.00192.
gnomAD v4.1: 525 of 1,614,068 alleles (0.033%); highest among the groups gnomAD compares: African/African-American, 0.52%; 1 homozygote.

Submissions (3):

CeGaT Center for Human Genetics Tuebingen
Classification: Uncertain significance. Last evaluated: 2018-03-01. Review status: criteria provided, single submitter. Criteria: CeGaT Center For Human Genetics Tuebingen Variant Classification Criteria Version 2. Collection method: clinical testing. Allele origin: germline. Affected: yes. Observed: 1 variant allele.

Breakthrough Genomics
Classification: Uncertain significance. Review status: criteria provided, single submitter. Criteria: ACMG Guidelines, 2015. Collection method: not provided. Allele origin: germline. Inheritance: Autosomal recessive inheritance. Affected: yes.

PreventionGenetics, part of Exact Sciences
Classification: Likely benign for MYO9A-related condition. Last evaluated: 2024-08-21. Review status: no assertion criteria provided. Collection method: clinical testing. Allele origin: germline. Not counted in ClinVar's aggregate classification.
Comment: This variant is classified as likely benign based on ACMG/AMP sequence variant interpretation guidelines (Richards et al. 2015 PMID: 25741868, with internal and published modifications).

NM_006901.4(MYO9A):c.4731A>T (p.Leu1577=)

Gene: MYO9A (myosin IXA; minus strand). Cytogenetic location: 15q23.
Variant type: single nucleotide variant.
Coding change: c.4731A>T on transcript NM_006901.4 (MANE Select); coding-DNA position 4731, A replaced by T.
Protein change: p.Leu1577=; no amino-acid change (leucine 1577 retained).
Molecular consequence: synonymous variant.
Genome position (GRCh38, 1-based): chr15:71,897,772, T>A on the plus strand (A>T on the coding strand, the complement: MYO9A is on the minus strand). VCF-style: chr15-71897772-T-A. GRCh37 (hg19) VCF-style: chr15-72190113-T-A.
Other names: c.4731A>T (NM_006901.3).
Identifiers: ClinVar variation 807281 (VCV000807281.43), dbSNP rs142776567, ClinGen allele CA7641344.